The following is an entry in ClinVar:

NM_001312909.2(FAM111A):c.1820G>A (p.Ser607Asn)

Gene: FAM111A (FAM111 trypsin like peptidase A; plus strand). Cytogenetic location: 11q12.1.
Variant type: single nucleotide variant.
Coding change: c.1820G>A on transcript NM_001312909.2 (MANE Select); coding-DNA position 1820, G replaced by A.
Protein change: p.Ser607Asn; replaces serine 607 with asparagine.
Molecular consequence: missense variant.
Genome position (GRCh38, 1-based): chr11:59,153,488, G>A. VCF-style: chr11-59153488-G-A. GRCh37 (hg19) VCF-style: chr11-58920961-G-A.
Other names: c.1820G>A, p.Ser607Asn (NM_001374861.1, NM_001374862.1, NM_001374863.1 and 29 more transcripts); short protein forms S607N.
Identifiers: ClinVar variation 4761608 (VCV004761608.1).

ClinVar aggregate classification (germline): Uncertain significance (1 of 4 stars; one submission).

Submission:

Labcorp Genetics (formerly Invitae), Labcorp
Classification: Uncertain significance. Last evaluated: 2025-03-27. Review status: criteria provided, single submitter. Criteria: Invitae Variant Classification Sherloc (09022015). Collection method: clinical testing. Allele origin: germline.
Comment: This sequence change replaces serine, which is neutral and polar, with asparagine, which is neutral and polar, at codon 607 of the FAM111A protein (p.Ser607Asn). This variant is not present in population databases (gnomAD no frequency). This variant has not been reported in the literature in individuals affected with FAM111A-related conditions. An algorithm developed to predict the effect of missense changes on protein structure and function (PolyPhen-2) suggests that this variant is likely to be tolerated. In summary, the available evidence is currently insufficient to determine the role of this variant in disease. Therefore, it has been classified as a Variant of Uncertain Significance.